The following is an entry in ClinVar:

NM_004370.6(COL12A1):c.7596G>C (p.Lys2532Asn)

Gene: COL12A1 (collagen type XII alpha 1 chain; minus strand). Cytogenetic location: 6q13.
Variant type: single nucleotide variant.
Coding change: c.7596G>C on transcript NM_004370.6 (MANE Select); coding-DNA position 7596, G replaced by C.
Protein change: p.Lys2532Asn; replaces lysine 2532 with asparagine.
Molecular consequence: missense variant.
Genome position (GRCh38, 1-based): chr6:75,115,885, C>G on the plus strand (G>C on the coding strand, the complement: COL12A1 is on the minus strand). VCF-style: chr6-75115885-C-G. GRCh37 (hg19) VCF-style: chr6-75825601-C-G.
Other names: c.7596G>C, p.Lys2532Asn (NM_001424113.1); c.7575G>C, p.Lys2525Asn (NM_001424114.1); c.7323G>C, p.Lys2441Asn (NM_001424115.1); c.4104G>C, p.Lys1368Asn (NM_001424116.1, NM_080645.3); short protein forms K2441N, K2532N, K1368N, K2525N.
Identifiers: ClinVar variation 2929152 (VCV002929152.3), dbSNP rs1430689789, ClinGen allele CA364745421.

ClinVar aggregate classification (germline): Uncertain significance (1 of 4 stars; one submission).

Conditions:
Ullrich congenital muscular dystrophy 2 (UCMD2). Identifiers: Orphanet 75840, MedGen C4225314, MONDO:0014654, OMIM 616470.
Bethlem myopathy 2 (BTHLM2). Identifiers: Orphanet 536516, Orphanet 610, MedGen C4225313, MONDO:0034022, OMIM 616471.

Allele frequency attached by ClinVar (database versions not stated): TOPMed below 0.00001; gnomAD 0.00001.
gnomAD v4.1: 6 of 1,613,420 alleles (0.00037%); highest among the groups gnomAD compares: Non-Finnish European, 0.00051%; no homozygotes.

Submission:

Labcorp Genetics (formerly Invitae), Labcorp
Classification: Uncertain significance for Bethlem myopathy 2; Ullrich congenital muscular dystrophy 2. Last evaluated: 2025-02-02. Review status: criteria provided, single submitter. Criteria: Invitae Variant Classification Sherloc (09022015). Collection method: clinical testing. Allele origin: germline.
Comment: This sequence change replaces lysine, which is basic and polar, with asparagine, which is neutral and polar, at codon 2532 of the COL12A1 protein (p.Lys2532Asn). This variant is present in population databases (no rsID available, gnomAD 0.002%). This variant has not been reported in the literature in individuals affected with COL12A1-related conditions. ClinVar contains an entry for this variant (Variation ID: 2929152). Invitae Evidence Modeling of protein sequence and biophysical properties (such as structural, functional, and spatial information, amino acid conservation, physicochemical variation, residue mobility, and thermodynamic stability) indicates that this missense variant is not expected to disrupt COL12A1 protein function with a negative predictive value of 80%. In summary, the available evidence is currently insufficient to determine the role of this variant in disease. Therefore, it has been classified as a Variant of Uncertain Significance.